The following is an entry in ClinVar:

ClinVar aggregate classification (germline): Pathogenic. Review status: criteria provided, multiple submitters, no conflicts (2 of 4 stars). 2 submissions from 2 submitters: Pathogenic (2). Last evaluated 2025-03-06.

Conditions:
Hereditary cancer-predisposing syndrome. Also called: Neoplastic Syndromes, Hereditary; Hereditary Cancer Syndrome; Hereditary neoplastic syndrome; Tumor predisposition. Identifiers: Orphanet 140162, MedGen C0027672, MeSH D009386, MONDO:0015356.
Familial cancer of breast. Also called: Hereditary breast cancer; BREAST CANCER, FAMILIAL; hereditary breast carcinoma. Identifiers: Orphanet 227535, MedGen C0346153, MONDO:0016419, OMIM 114480. Disease mechanism: loss of function.

Submissions (2):

Ambry Genetics
Classification: Pathogenic for Hereditary cancer-predisposing syndrome. Last evaluated: 2025-03-06. Review status: criteria provided, single submitter. Criteria: Ambry Variant Classification Scheme 2023. Collection method: clinical testing. Allele origin: germline.
Comment: The c.50_53dupCCTG pathogenic mutation, located in coding exon 1 of the CHEK2 gene, results from a duplication of CCTG at nucleotide position 50, causing a translational frameshift with a predicted alternate stop codon (p.S19Lfs*59). This variant is considered to be rare based on population cohorts in the Genome Aggregation Database (gnomAD). This alteration is expected to result in loss of function by premature protein truncation or nonsense-mediated mRNA decay. As such, this alteration is interpreted as a disease-causing mutation.

Labcorp Genetics (formerly Invitae), Labcorp
Classification: Pathogenic for Familial cancer of breast. Last evaluated: 2023-09-20. Review status: criteria provided, single submitter. Criteria: Invitae Variant Classification Sherloc (09022015). Collection method: clinical testing. Allele origin: germline.
Comment: For these reasons, this variant has been classified as Pathogenic. This variant has not been reported in the literature in individuals affected with CHEK2-related conditions. This variant is not present in population databases (gnomAD no frequency). This sequence change creates a premature translational stop signal (p.Ser19Leufs*59) in the CHEK2 gene. It is expected to result in an absent or disrupted protein product. Loss-of-function variants in CHEK2 are known to be pathogenic (PMID: 21876083, 24713400).

Literature cited by the submitters: PubMed 21876083 (cited by Labcorp Genetics (formerly Invitae), Labcorp); PubMed 24713400 (cited by Labcorp Genetics (formerly Invitae), Labcorp).

NM_007194.4(CHEK2):c.50_53dup (p.Ser19fs)

Gene: CHEK2 (checkpoint kinase 2; minus strand). Cytogenetic location: 22q12.1.
Variant type: Duplication.
Coding change: c.50_53dup on transcript NM_007194.4 (MANE Select); coding-DNA positions 50 to 53, 4 bases duplicated (CCTG; older notation c.50_53dupCCTG).
Protein change: p.Ser19fs; shifts the reading frame from serine 19.
Molecular consequence: frameshift variant.
Genome position (GRCh38, 1-based): chr22:28,734,669-28,734,672, CAGG duplicated on the plus strand (CCTG on the coding strand, the reverse complement: CHEK2 is on the minus strand); duplicating any 4 consecutive bases within chr22:28,734,669-28,734,674 gives the same sequence; the c. name uses the placement nearest the transcript's 3' end. VCF-style (leftmost placement, unchanged base first): chr22-28734668-A-ACAGG. GRCh37 (hg19) VCF-style: chr22-29130656-A-ACAGG.
Other names: c.48_51dup, p.Ser19Leufs (NM_001005735.3, NM_001349956.3, NM_145862.3); c.-730_-727dup (NM_001257387.3); short protein forms S19fs.
Identifiers: ClinVar variation 2762050 (VCV002762050.4), dbSNP rs2518135196, ClinGen allele CA2697552642.